The following is an entry in ClinVar:

ClinVar aggregate classification (germline): Pathogenic (1 of 4 stars; one submission).

Submission:

GeneDx
Classification: Pathogenic. Last evaluated: 2021-01-20. Review status: criteria provided, single submitter. Criteria: GeneDx Variant Classification Process June 2021. Collection method: clinical testing. Allele origin: germline. Affected: yes.
Comment: Not observed in large population cohorts (Lek et al., 2016); In silico analysis, which includes protein predictors and evolutionary conservation, supports a deleterious effect; Has not been previously published as pathogenic or benign to our knowledge

NM_003482.4(KMT2D):c.4421G>T (p.Cys1474Phe)

Gene: KMT2D (lysine methyltransferase 2D; minus strand). Cytogenetic location: 12q13.12.
Variant type: single nucleotide variant.
Coding change: c.4421G>T on transcript NM_003482.4 (MANE Select); coding-DNA position 4421, G replaced by T.
Protein change: p.Cys1474Phe; replaces cysteine 1474 with phenylalanine.
Molecular consequence: missense variant.
Genome position (GRCh38, 1-based): chr12:49,046,422, C>A on the plus strand (G>T on the coding strand, the complement: KMT2D is on the minus strand). VCF-style: chr12-49046422-C-A. GRCh37 (hg19) VCF-style: chr12-49440205-C-A.
Other names: short protein forms C1474F.
Identifiers: ClinVar variation 1193884 (VCV001193884.2), dbSNP rs587783718, ClinGen allele CA384646237.